The following is an entry in ClinVar:

NM_001081.4(CUBN):c.2486C>T (p.Ser829Leu)

Gene: CUBN (cubilin; minus strand). Cytogenetic location: 10p13.
Variant type: single nucleotide variant.
Coding change: c.2486C>T on transcript NM_001081.4 (MANE Select); coding-DNA position 2486, C replaced by T.
Protein change: p.Ser829Leu; replaces serine 829 with leucine.
Molecular consequence: missense variant.
Genome position (GRCh38, 1-based): chr10:17,071,565, G>A on the plus strand (C>T on the coding strand, the complement: CUBN is on the minus strand). VCF-style: chr10-17071565-G-A. GRCh37 (hg19) VCF-style: chr10-17113564-G-A.
Other names: short protein forms S829L.
Identifiers: ClinVar variation 56326 (VCV000056326.2), dbSNP rs386833773, ClinGen allele CA144262.

ClinVar aggregate classification (germline): Likely pathogenic (0 of 4 stars; one submission).

Conditions:
Imerslund-Grasbeck syndrome. Also called: PERNICIOUS ANEMIA, JUVENILE, DUE TO SELECTIVE INTESTINAL MALABSORPTION OF VITAMIN B12, WITH PROTEINURIA; Megaloblastic anemia due to inborn errors of metabolism; Imerslund-Gräsbeck syndrome; ENTEROCYTE COBALAMIN MALABSORPTION; ENTEROCYTE INTRINSIC FACTOR RECEPTOR, DEFECT OF. Identifiers: Orphanet 35858, MedGen C4551825, MONDO:0009853.

Allele frequency attached by ClinVar (database versions not stated): TOPMed 0.00001; ExAC 0.00001.
gnomAD v4.1: 14 of 1,613,760 alleles (0.00087%); highest among the groups gnomAD compares: Non-Finnish European, 0.0012%; no homozygotes.

Submission:

Juha Muilu Group; Institute for Molecular Medicine Finland (FIMM)
Classification: Likely pathogenic for Megaloblastic anemia due to inborn errors of metabolism. Review status: no assertion criteria provided. Collection method: not provided. Allele origin: unknown.
Comment: FinDis database variant: This variant was not found or characterized by our laboratory, data were collected from public sources: see reference
ClinVar note: Converted during submission from probable-pathogenic to Likely pathogenic.